The following is an entry in ClinVar:

NM_138389.4(FAM114A1):c.1509G>A (p.Lys503=)

Gene: FAM114A1 (family with sequence similarity 114 member A1; plus strand). Cytogenetic location: 4p14.
Variant type: single nucleotide variant.
Coding change: c.1509G>A on transcript NM_138389.4 (MANE Select); coding-DNA position 1509, G replaced by A.
Protein change: p.Lys503=; no amino-acid change (lysine 503 retained).
Molecular consequence: synonymous variant. On other transcripts: non-coding transcript variant (1).
Genome position (GRCh38, 1-based): chr4:38,935,763, G>A. VCF-style: chr4-38935763-G-A. GRCh37 (hg19) VCF-style: chr4-38937384-G-A.
Other names: c.915G>A, p.Lys305= (NM_001350634.2); c.1509G>A, p.Lys503= (NM_001375792.1, NM_001375793.1); c.888G>A, p.Lys296= (NM_001330764.2, NM_001350631.2); c.1503G>A, p.Lys501= (NM_001350632.2); c.1128G>A, p.Lys376= (NM_001350633.2).
Identifiers: ClinVar variation 2654726 (VCV002654726.24), dbSNP rs140042546, ClinGen allele CA2890609.
Genomic context (GRCh38, chr4:38,935,763, plus strand): 5'-TTTTTCTTCTTTCAGATTAACTACTGCAATGTGCAATGAAGTGGCCTCTTTATCAAAGAA[G>A]TTTACGAATTCTTTAACCACTGTTGGGGTAAGATTACAGTCTTGAATTTTTTTCACCTTT-3'
Protein context (NP_612398.2, residues 493-513): MCNEVASLSK[Lys503=]FTNSLTTVGS

ClinVar aggregate classification (germline): Likely benign (1 of 4 stars; one submission).

Allele frequency attached by ClinVar (database versions not stated): gnomAD 0.00008; gnomAD exomes 0.00012; TOPMed 0.00022; ExAC 0.00023; ESP Exome Variant Server 0.00031.

Submission:

CeGaT Center for Human Genetics Tuebingen
Classification: Likely benign. Last evaluated: 2022-07-01. Review status: criteria provided, single submitter. Criteria: CeGaT Center For Human Genetics Tuebingen Variant Classification Criteria Version 2. Collection method: clinical testing. Allele origin: germline. Affected: yes. Observed: 1 variant allele.
Comment: FAM114A1: BP4, BP7